The following is an entry in ClinVar:

NM_173630.4(RTTN):c.905A>C (p.Gln302Pro)

Gene: RTTN (rotatin; minus strand). Cytogenetic location: 18q22.2.
Variant type: single nucleotide variant.
Coding change: c.905A>C on transcript NM_173630.4 (MANE Select); coding-DNA position 905, A replaced by C.
Protein change: p.Gln302Pro; replaces glutamine 302 with proline.
Molecular consequence: missense variant. On other transcripts: 5 prime UTR variant (1).
Genome position (GRCh38, 1-based): chr18:70,193,390, T>G on the plus strand (A>C on the coding strand, the complement: RTTN is on the minus strand). VCF-style: chr18-70193390-T-G. GRCh37 (hg19) VCF-style: chr18-67860626-T-G.
Other names: c.-1649A>C (NM_001318520.2); short protein forms Q302P.
Identifiers: ClinVar variation 436604 (VCV000436604.10), dbSNP rs201044643, ClinGen allele CA8996323.
Genomic context (GRCh38, chr18:70,193,390, plus strand): 5'-CGCTGGCCTGTGCGCCCAACCACAGAAGGCCGAGGGCTGCTGCTTCCTGGGGAAGGATTC[T>G]GGGAATGATGAGTACCTCTTGCTTCATGACAATAAGACAAAGAAGAATTTTGGGAAACTG-3'
Protein context (NP_775901.3, residues 292-312): CHEARGTHHS[Gln302Pro]NPSPGSSSPR

ClinVar aggregate classification (germline): Uncertain significance. Review status: criteria provided, multiple submitters, no conflicts (2 of 4 stars). 3 submissions from 3 submitters: Uncertain significance (3). Last evaluated 2022-03-01.

Allele frequency attached by ClinVar (database versions not stated): ESP Exome Variant Server 0.00017; TOPMed 0.00001; gnomAD 0.00004.
gnomAD v4.1: 199 of 1,608,254 alleles (0.012%); highest among the groups gnomAD compares: Non-Finnish European, 0.016%; no homozygotes.

Submissions (3):

Labcorp Genetics (formerly Invitae), Labcorp
Classification: Uncertain significance. Last evaluated: 2022-03-01. Review status: criteria provided, single submitter. Criteria: Invitae Variant Classification Sherloc (09022015). Collection method: clinical testing. Allele origin: germline.
Comment: This sequence change replaces glutamine, which is neutral and polar, with proline, which is neutral and non-polar, at codon 302 of the RTTN protein (p.Gln302Pro). This variant is present in population databases (rs201044643, gnomAD 0.01%). This variant has not been reported in the literature in individuals affected with RTTN-related conditions. ClinVar contains an entry for this variant (Variation ID: 436604). Algorithms developed to predict the effect of missense changes on protein structure and function output the following: SIFT: "Tolerated"; PolyPhen-2: "Benign"; Align-GVGD: "Class C0". The proline amino acid residue is found in multiple mammalian species, which suggests that this missense change does not adversely affect protein function. Algorithms developed to predict the effect of sequence changes on RNA splicing suggest that this variant may create or strengthen a splice site. In summary, the available evidence is currently insufficient to determine the role of this variant in disease. Therefore, it has been classified as a Variant of Uncertain Significance.

GeneDx
Classification: Uncertain significance. Last evaluated: 2019-08-09. Review status: criteria provided, single submitter. Criteria: GeneDx Variant Classification Process June 2021. Collection method: clinical testing. Allele origin: germline. Affected: yes.
Comment: Not observed at a significant frequency in large population cohorts (Lek et al., 2016); In silico analysis, which includes protein predictors and evolutionary conservation, supports that this variant does not alter protein structure/function; Has not been previously published as pathogenic or benign to our knowledge

Genetic Services Laboratory, University of Chicago
Classification: Uncertain significance. Last evaluated: 2017-03-07. Review status: criteria provided, single submitter. Criteria: ACMG Guidelines, 2015. Collection method: clinical testing. Allele origin: germline. Affected: no.